The following is an entry in ClinVar:

ClinVar aggregate classification (germline): Uncertain significance (1 of 4 stars; one submission).

Allele frequency attached by ClinVar (database versions not stated): gnomAD 0.00001; gnomAD exomes 0.00001; TOPMed 0.00001.
gnomAD v4.1: 14 of 1,614,092 alleles (0.00087%); highest among the groups gnomAD compares: South Asian, 0.0044%; no homozygotes.

Submission:

Labcorp Genetics (formerly Invitae), Labcorp
Classification: Uncertain significance. Last evaluated: 2025-12-15. Review status: criteria provided, single submitter. Criteria: Invitae Variant Classification Sherloc (09022015). Collection method: clinical testing. Allele origin: germline.
Comment: This sequence change replaces arginine, which is basic and polar, with cysteine, which is neutral and slightly polar, at codon 578 of the C1S protein (p.Arg578Cys). This variant is present in population databases (rs781818479, gnomAD 0.006%). This variant has not been reported in the literature in individuals affected with C1S-related conditions. ClinVar contains an entry for this variant (Variation ID: 1943578). Invitae Evidence Modeling of protein sequence and biophysical properties (such as structural, functional, and spatial information, amino acid conservation, physicochemical variation, residue mobility, and thermodynamic stability) indicates that this missense variant is not expected to disrupt C1S protein function with a negative predictive value of 80%. In summary, the available evidence is currently insufficient to determine the role of this variant in disease. Therefore, it has been classified as a Variant of Uncertain Significance.

NM_001734.5(C1S):c.1732C>T (p.Arg578Cys)

Gene: C1S (complement C1s; plus strand). Cytogenetic location: 12p13.31.
Variant type: single nucleotide variant.
Coding change: c.1732C>T on transcript NM_001734.5 (MANE Select); coding-DNA position 1732, C replaced by T.
Protein change: p.Arg578Cys; replaces arginine 578 with cysteine.
Molecular consequence: missense variant.
Genome position (GRCh38, 1-based): chr12:7,070,316, C>T. VCF-style: chr12-7070316-C-T. GRCh37 (hg19) VCF-style: chr12-7177620-C-T.
Other names: c.1231C>T, p.Arg411Cys (NM_001346850.2); c.1732C>T, p.Arg578Cys (NM_201442.4); short protein forms R411C, R578C.
Identifiers: ClinVar variation 1943578 (VCV001943578.5), dbSNP rs781818479, ClinGen allele CA232457141.